The following is an entry in ClinVar:

NM_002860.4(ALDH18A1):c.1797G>C (p.Arg599Ser)

Gene: ALDH18A1 (aldehyde dehydrogenase 18 family member A1; minus strand). Cytogenetic location: 10q24.1.
Variant type: single nucleotide variant.
Coding change: c.1797G>C on transcript NM_002860.4 (MANE Select); coding-DNA position 1797, G replaced by C.
Protein change: p.Arg599Ser; replaces arginine 599 with serine.
Molecular consequence: missense variant.
Genome position (GRCh38, 1-based): chr10:95,613,970, C>G on the plus strand (G>C on the coding strand, the complement: ALDH18A1 is on the minus strand). VCF-style: chr10-95613970-C-G. GRCh37 (hg19) VCF-style: chr10-97373727-C-G.
Other names: c.1791G>C, p.Arg597Ser (NM_001017423.2, NM_001323415.2); c.1464G>C, p.Arg488Ser (NM_001323412.2, NM_001323416.2); c.1797G>C, p.Arg599Ser (NM_001323413.2, NM_001323414.2); c.1692G>C, p.Arg564Ser (NM_001323417.2); c.1458G>C, p.Arg486Ser (NM_001323418.2); c.1161G>C, p.Arg387Ser (NM_001323419.2); short protein forms R387S, R486S, R488S, R564S, R597S, R599S.
Identifiers: ClinVar variation 1313673 (VCV001313673.7), dbSNP rs752764884, ClinGen allele CA5620231.

ClinVar aggregate classification (germline): Uncertain significance. Review status: criteria provided, multiple submitters, no conflicts (2 of 4 stars). 3 submissions from 3 submitters: Uncertain significance (3). Last evaluated 2025-12-16.

Conditions:
Autosomal dominant spastic paraplegia type 9. Identifiers: MedGen C1832669, MONDO:0015091.
de Barsy syndrome. Also called: Cutis laxa-corneal clouding-oligophrenia syndrome. Identifiers: Orphanet 2962, MedGen C0268354, MONDO:0017569.
Cutis laxa, autosomal dominant 3 (ADCL3). Identifiers: Orphanet 90348, MedGen C4225268, MONDO:0014706, OMIM 616603.

Allele frequency attached by ClinVar (database versions not stated): gnomAD exomes 0.00001; TOPMed 0.00001; gnomAD 0.00001; ExAC 0.00001.
gnomAD v4.1: 90 of 1,614,098 alleles (0.0056%); highest among the groups gnomAD compares: Non-Finnish European, 0.0072%; no homozygotes.

Submissions (3):

Labcorp Genetics (formerly Invitae), Labcorp
Classification: Uncertain significance for Autosomal dominant spastic paraplegia type 9; de Barsy syndrome; Cutis laxa, autosomal dominant 3. Last evaluated: 2025-12-16. Review status: criteria provided, single submitter. Criteria: Invitae Variant Classification Sherloc (09022015). Collection method: clinical testing. Allele origin: germline.
Comment: This sequence change replaces arginine, which is basic and polar, with serine, which is neutral and polar, at codon 599 of the ALDH18A1 protein (p.Arg599Ser). This variant is present in population databases (rs752764884, gnomAD 0.003%). This variant has not been reported in the literature in individuals affected with ALDH18A1-related conditions. ClinVar contains an entry for this variant (Variation ID: 1313673). Invitae Evidence Modeling of protein sequence and biophysical properties (such as structural, functional, and spatial information, amino acid conservation, physicochemical variation, residue mobility, and thermodynamic stability) has been performed for this missense variant. However, the output from this modeling did not meet the statistical confidence thresholds required to predict the impact of this variant on ALDH18A1 protein function. In summary, the available evidence is currently insufficient to determine the role of this variant in disease. Therefore, it has been classified as a Variant of Uncertain Significance.

GeneDx
Classification: Uncertain significance. Last evaluated: 2021-10-19. Review status: criteria provided, single submitter. Criteria: GeneDx Variant Classification Process June 2021. Collection method: clinical testing. Allele origin: germline. Affected: yes.
Comment: Has not been previously published as pathogenic or benign to our knowledge; Not observed at a significant frequency in large population cohorts (Lek et al., 2016); In silico analysis supports that this missense variant does not alter protein structure/function

Victorian Clinical Genetics Services, Murdoch Childrens Research Institute
Classification: Uncertain significance for Autosomal dominant spastic paraplegia type 9. Last evaluated: 2020-05-21. Review status: criteria provided, single submitter. Criteria: ACMG Guidelines, 2015. Collection method: clinical testing. Allele origin: germline. Affected: yes.
Comment: Based on the classification scheme VCGS_Germline_v1.1.1, this variant is classified as 3B-VUS. Following criteria are met: 0102 - Loss-of-function is a known mechanism of disease for this gene. (N) 0104 - Dominant Negative is a mechanism of disease for this gene. (N) 0108 - This gene is known to be associated with both recessive and dominant disease (OMIM). (N) 0200 - Variant is predicted to result in a missense amino acid change from an arginine to a serine (exon 14). (N) 0251 - Variant is heterozygous. (N) 0302 - Variant is present in gnomAD <0.001 for a dominant condition (3 heterozygotes, 0 homozygotes). (P) 0502 - Missense variant with conflicting in silico predictions and is highly conserved with a major amino acid change. (N) 0600 - Variant is located in an annotated domain or motif (Aldehyde dehydrogenase family; PDB). (N) 0705 - No comparable variants have previous evidence for pathogenicity. (N) 0807 - Variant has not previously been reported in a clinical context. (N) 0905 - No segregation evidence has been identified for this variant. (N) 1007 - No published functional evidence has been identified for this variant. (N) 1208 - Inheritance information for this variant is not currently available. (N) Legend: (P) - Pathogenic, (N) - Neutral, (B) - Benign